The following is an entry in ClinVar:

ClinVar aggregate classification (germline): Uncertain significance (1 of 4 stars; one submission).

Conditions:
Atypical hemolytic-uremic syndrome. Identifiers: Orphanet 2134, MedGen C2931788, MONDO:0016244.
Basal laminar drusen. Also called: DRUSEN OF BRUCH MEMBRANE; DRUSEN, CUTICULAR; DRUSEN, EARLY ADULT-ONSET, GROUPED. Identifiers: Orphanet 75376, MedGen C0730295, MONDO:0007472, OMIM 126700.
Factor H deficiency (CFHD). Also called: COMPLEMENT FACTOR H DEFICIENCY; CFH DEFICIENCY. Identifiers: Orphanet 200421, MedGen C0398777, MONDO:0012350, OMIM 609814.
Age related macular degeneration 4. Identifiers: MedGen C1853147, MONDO:0012540, OMIM 610698.

Submission:

Genomenon, Inc
Classification: Uncertain significance for Basal laminar drusen; Age related macular degeneration 4; Atypical hemolytic-uremic syndrome; Factor H deficiency. Last evaluated: 2025-10-02. Review status: criteria provided, single submitter. Criteria: Genomenon Sequence Variant Interpretation Standards - Updated. Collection method: curation. Allele origin: germline. Affected: no.
Comment: CFH p.Glu231Ala (c.692A>C) is a missense variant that changes the amino acid at residue 231 from Glutamic acid to Alanine. This variant has been reported in the published literature (PMID:21683447). It is absent or not present at a significant frequency in gnomAD. In conclusion, we classify CFH p.Glu231Ala (c.692A>C) as a variant of uncertain significance.

Literature cited by the submitters: PubMed 21683447.

NM_000186.4(CFH):c.692A>C (p.Glu231Ala)

Gene: CFH (complement factor H; plus strand). Cytogenetic location: 1q31.3.
Variant type: single nucleotide variant.
Coding change: c.692A>C on transcript NM_000186.4 (MANE Select); coding-DNA position 692, A replaced by C.
Protein change: p.Glu231Ala; replaces glutamic acid 231 with alanine.
Molecular consequence: missense variant.
Genome position (GRCh38, 1-based): chr1:196,679,695, A>C. VCF-style: chr1-196679695-A-C. GRCh37 (hg19) VCF-style: chr1-196648825-A-C.
Other names: c.692A>C, p.Glu231Ala (NM_001014975.3); short protein forms E231A.
Identifiers: ClinVar variation 4291317 (VCV004291317.1).